The following is an entry in ClinVar:

ClinVar aggregate classification (germline): Uncertain significance. Review status: criteria provided, multiple submitters, no conflicts (2 of 4 stars). 2 submissions from 2 submitters: Uncertain significance (2). Last evaluated 2022-08-03.

Conditions:
Niemann-Pick disease, type C1. Also called: NEUROVISCERAL STORAGE DISEASE WITH VERTICAL SUPRANUCLEAR OPHTHALMOPLEGIA; NIEMANN-PICK DISEASE WITH CHOLESTEROL ESTERIFICATION BLOCK; NIEMANN-PICK DISEASE WITHOUT SPHINGOMYELINASE DEFICIENCY; NIEMANN-PICK DISEASE, CHRONIC NEURONOPATHIC FORM; NIEMANN-PICK DISEASE, VARIANT TYPE C1. Identifiers: Orphanet 646, MedGen C3179455, MONDO:0009757, OMIM 257220.

Allele frequency attached by ClinVar (database versions not stated): gnomAD exomes 0.00004; gnomAD 0.00015; TOPMed 0.00028.
gnomAD v4.1: 43 of 1,613,972 alleles (0.0027%); highest among the groups gnomAD compares: Admixed American, 0.07%; no homozygotes.

Submissions (2):

Labcorp Genetics (formerly Invitae), Labcorp
Classification: Uncertain significance for Niemann-Pick disease, type C1. Last evaluated: 2022-08-03. Review status: criteria provided, single submitter. Criteria: Invitae Variant Classification Sherloc (09022015). Collection method: clinical testing. Allele origin: germline.
Comment: This sequence change replaces serine, which is neutral and polar, with glycine, which is neutral and non-polar, at codon 385 of the NPC1 protein (p.Ser385Gly). This variant is present in population databases (no rsID available, gnomAD 0.02%). This variant has not been reported in the literature in individuals affected with NPC1-related conditions. ClinVar contains an entry for this variant (Variation ID: 500645). Advanced modeling of protein sequence and biophysical properties (such as structural, functional, and spatial information, amino acid conservation, physicochemical variation, residue mobility, and thermodynamic stability) performed at Invitae indicates that this missense variant is not expected to disrupt NPC1 protein function. In summary, the available evidence is currently insufficient to determine the role of this variant in disease. Therefore, it has been classified as a Variant of Uncertain Significance.

Eurofins Ntd Llc (ga)
Classification: Uncertain significance. Last evaluated: 2017-02-27. Review status: criteria provided, single submitter. Criteria: EGL Classification Definitions 2015. Collection method: clinical testing. Allele origin: germline. Observed: 1 variant allele, 1 heterozygote.

NM_000271.5(NPC1):c.1153A>G (p.Ser385Gly)

Gene: NPC1 (NPC intracellular cholesterol transporter 1; minus strand). Cytogenetic location: 18q11.2.
Variant type: single nucleotide variant.
Coding change: c.1153A>G on transcript NM_000271.5 (MANE Select); coding-DNA position 1153, A replaced by G.
Protein change: p.Ser385Gly; replaces serine 385 with glycine.
Molecular consequence: missense variant.
Genome position (GRCh38, 1-based): chr18:23,556,416, T>C on the plus strand (A>G on the coding strand, the complement: NPC1 is on the minus strand). VCF-style: chr18-23556416-T-C. GRCh37 (hg19) VCF-style: chr18-21136380-T-C.
Other names: short protein forms S385G.
Identifiers: ClinVar variation 500645 (VCV000500645.7), dbSNP rs1373857908, ClinGen allele CA401778043.
Genomic context (GRCh38, chr18:23,556,416, plus strand): 5'-TCCGGAAGAAAGGCCCAAAGTGCTGGTCAAAGTACTCTTTTTCCAGGCGAGCCTGGCTGC[T>C]GGGGGCTGACCAGAGGTCAACTGGATTGGTTGTGACCCGGACAAACACCAGGCCTGACGA-3'
Protein context (NP_000262.2, residues 375-395): TNPVDLWSAP[Ser385Gly]SQARLEKEYF